The following is an entry in ClinVar:

ClinVar aggregate classification (germline): Uncertain significance (1 of 4 stars; one submission).

Conditions:
Hereditary cancer-predisposing syndrome. Also called: Neoplastic Syndromes, Hereditary; Tumor predisposition; Hereditary Cancer Syndrome; Hereditary neoplastic syndrome. Identifiers: Orphanet 140162, MedGen C0027672, MeSH D009386, MONDO:0015356.

gnomAD v4.1: 1 of 1,614,186 alleles (0.000062%); highest among the groups gnomAD compares: Non-Finnish European, 0.000085%; no homozygotes.

Submission:

Ambry Genetics
Classification: Uncertain significance for Hereditary cancer-predisposing syndrome. Last evaluated: 2025-10-20. Review status: criteria provided, single submitter. Criteria: Ambry Variant Classification Scheme 2023. Collection method: clinical testing. Allele origin: germline.
Comment: The c.683+1G>A intronic variant results from a G to A substitution one nucleotide after coding exon 5 of the CDK4 gene. This nucleotide position is highly conserved in available vertebrate species. In silico splice site analysis predicts that this alteration will weaken the native splice donor site. Alterations that disrupt the canonical splice site are expected to cause aberrant splicing, resulting in an abnormal protein or a transcript that is subject to nonsense-mediated mRNA decay. However, loss of function of CDK4 has not been established as a mechanism of disease. Based on the available evidence, the clinical significance of this variant remains unclear.

NM_000075.4(CDK4):c.683+1G>A

Genes: TSPAN31 (tetraspanin 31; plus strand), CDK4 (cyclin dependent kinase 4; minus strand). Cytogenetic location: 12q14.1.
Variant type: single nucleotide variant.
Coding change: c.683+1G>A on transcript NM_000075.4 (MANE Select); the canonical splice donor site of the intron after coding-DNA position 683, G replaced by A.
Molecular consequence: splice donor variant. On other transcripts: 3 prime UTR variant (3).
Genome position (GRCh38, 1-based): chr12:57,749,453, C>T on the plus strand (G>A on the coding strand, the complement: CDK4 is on the minus strand). VCF-style: chr12-57749453-C-T. GRCh37 (hg19) VCF-style: chr12-58143236-C-T.
Other names: c.*2163C>T (NM_001330168.2, NM_001330169.2, NM_005981.5).
Identifiers: ClinVar variation 4633142 (VCV004633142.1).